The following is an entry in ClinVar:

NM_002317.7(LOX):c.1247+1G>C

Genes: LOX (lysyl oxidase; minus strand), SRFBP1 (serum response factor binding protein 1; plus strand). Cytogenetic location: 5q23.1.
Variant type: single nucleotide variant.
Coding change: c.1247+1G>C on transcript NM_002317.7 (MANE Select); the canonical splice donor site of the intron after coding-DNA position 1247, G replaced by C.
Molecular consequence: splice donor variant.
Genome position (GRCh38, 1-based): chr5:122,070,052, C>G on the plus strand (G>C on the coding strand, the complement: LOX is on the minus strand). VCF-style: chr5-122070052-C-G. GRCh37 (hg19) VCF-style: chr5-121405747-C-G.
Other names: c.557+1G>C (NM_001178102.2); c.356+1G>C (NM_001317073.1).
Identifiers: ClinVar variation 1759715 (VCV001759715.2), dbSNP rs1233555524, ClinGen allele CA360880065.

ClinVar aggregate classification (germline): Uncertain significance (1 of 4 stars; one submission).

Conditions:
Cardiovascular phenotype. Identifiers: MedGen CN230736.

Submission:

Ambry Genetics
Classification: Uncertain significance for Cardiovascular phenotype. Last evaluated: 2020-08-26. Review status: criteria provided, single submitter. Criteria: Ambry Variant Classification Scheme 2023. Collection method: clinical testing. Allele origin: germline.
Comment: The c.1247+1G>C intronic variant results from a G to C substitution one nucleotide after coding exon 6 of the LOX gene. Although alterations that disrupt the canonical splice site are expected to cause aberrant splicing, this alteration occurs at the 3' terminus of the LOX gene. The exact functional effect of this alteration is unknown, but the resulting transcript is not expected to trigger nonsense-mediated mRNA decay and is predicted to only impact the last 39 amino acids of the protein. This nucleotide position is highly conserved in available vertebrate species. In silico splice site analysis predicts that this alteration will weaken the native splice donor site. Since supporting evidence is limited at this time, the clinical significance of this alteration remains unclear.